The following is an entry in ClinVar:

ClinVar aggregate classification (germline): Uncertain significance (1 of 4 stars; one submission).

Conditions:
COG5-congenital disorder of glycosylation. Also called: COG5-CDG; CDG IIi; CONGENITAL DISORDER OF GLYCOSYLATION, TYPE IIi. Identifiers: Orphanet 263487, MedGen C3150876, MONDO:0013325, OMIM 613612.

Allele frequency attached by ClinVar (database versions not stated): ExAC 0.00001; gnomAD exomes 0.00002.

Submission:

Labcorp Genetics (formerly Invitae), Labcorp
Classification: Uncertain significance for COG5-congenital disorder of glycosylation. Last evaluated: 2022-08-07. Review status: criteria provided, single submitter. Criteria: Invitae Variant Classification Sherloc (09022015). Collection method: clinical testing. Allele origin: germline.
Comment: This sequence change replaces threonine, which is neutral and polar, with proline, which is neutral and non-polar, at codon 629 of the COG5 protein (p.Thr629Pro). This variant has not been reported in the literature in individuals affected with COG5-related conditions. This variant is present in population databases (rs766098214, gnomAD 0.003%). In summary, the available evidence is currently insufficient to determine the role of this variant in disease. Therefore, it has been classified as a Variant of Uncertain Significance. Algorithms developed to predict the effect of missense changes on protein structure and function (SIFT, PolyPhen-2, Align-GVGD) all suggest that this variant is likely to be tolerated.

NM_006348.5(COG5):c.1792A>C (p.Thr598Pro)

Gene: COG5 (component of oligomeric golgi complex 5; minus strand). Cytogenetic location: 7q22.3.
Variant type: single nucleotide variant.
Coding change: c.1792A>C on transcript NM_006348.5 (MANE Select); coding-DNA position 1792, A replaced by C.
Protein change: p.Thr598Pro; replaces threonine 598 with proline.
Molecular consequence: missense variant.
Genome position (GRCh38, 1-based): chr7:107,248,457, T>G on the plus strand (A>C on the coding strand, the complement: COG5 is on the minus strand). VCF-style: chr7-107248457-T-G. GRCh37 (hg19) VCF-style: chr7-106888902-T-G.
Other names: c.1792A>C, p.Thr598Pro (NM_001161520.2, NM_001379513.1, NM_001379514.1); c.1630A>C, p.Thr544Pro (NM_001379511.1); c.1618A>C, p.Thr540Pro (NM_001379512.1); c.1222A>C, p.Thr408Pro (NM_001379515.1); c.1078A>C, p.Thr360Pro (NM_001379516.1); c.1729A>C, p.Thr577Pro (NM_181733.4); short protein forms T360P, T408P, T540P, T577P, T598P, T544P.
Identifiers: ClinVar variation 1925185 (VCV001925185.5), dbSNP rs766098214, ClinGen allele CA4430779.